The following is an entry in ClinVar:

NC_000004.11:g.(?_151336570)_(151604889_?)del

Genes: MAB21L2 (mab-21 like 2; plus strand), LRBA (LPS responsive beige-like anchor protein; minus strand). Cytogenetic location: 4q31.3.
Variant type: Deletion.
Identifiers: ClinVar variation 1040778 (VCV001040778.3).

ClinVar aggregate classification (germline): Uncertain significance (1 of 4 stars; one submission).

Conditions:
Combined immunodeficiency due to LRBA deficiency. Also called: Common variable immunodeficiency 8, with autoimmunity. Identifiers: Orphanet 445018, MedGen C3553512, MONDO:0013863, OMIM 614700.

Submission:

Labcorp Genetics (formerly Invitae), Labcorp
Classification: Uncertain significance for Combined immunodeficiency due to LRBA deficiency. Last evaluated: 2020-06-16. Review status: criteria provided, single submitter. Criteria: Invitae Variant Classification Sherloc (09022015). Collection method: clinical testing. Allele origin: germline.
Comment: In summary, the available evidence is currently insufficient to determine the role of this variant in disease. Therefore, it has been classified as a Variant of Uncertain Significance. Experimental studies and prediction algorithms are not available or were not evaluated, and the functional significance of this variant is currently unknown. This variant has not been reported in the literature in individuals with LRBA-related conditions. This variant is an in-frame deletion of the genomic region encompassing exon(s) 37-48 of the LRBA gene. It preserves the integrity of the reading frame.